The following is an entry in ClinVar:

ClinVar aggregate classification (germline): Uncertain significance (1 of 4 stars; one submission).

Conditions:
Atrioventricular septal defect 4 (AVSD4). Identifiers: MedGen C3280781, MONDO:0013747, OMIM 614430.

Submission:

Labcorp Genetics (formerly Invitae), Labcorp
Classification: Uncertain significance for Atrioventricular septal defect 4. Last evaluated: 2025-12-10. Review status: criteria provided, single submitter. Criteria: Invitae Variant Classification Sherloc (09022015). Collection method: clinical testing. Allele origin: germline.
Comment: This sequence change replaces serine, which is neutral and polar, with phenylalanine, which is neutral and non-polar, at codon 172 of the GATA4 protein (p.Ser172Phe). This variant is not present in population databases (gnomAD no frequency). This variant has not been reported in the literature in individuals affected with GATA4-related conditions. Invitae Evidence Modeling of protein sequence and biophysical properties (such as structural, functional, and spatial information, amino acid conservation, physicochemical variation, residue mobility, and thermodynamic stability) indicates that this missense variant is not expected to disrupt GATA4 protein function with a negative predictive value of 95%. In summary, the available evidence is currently insufficient to determine the role of this variant in disease. Therefore, it has been classified as a Variant of Uncertain Significance.

NM_001308093.3(GATA4):c.515C>T (p.Ser172Phe)

Gene: GATA4 (GATA binding protein 4). Cytogenetic location: 8p23.1.
Variant type: single nucleotide variant.
Coding change: c.515C>T on transcript NM_001308093.3 (MANE Select); coding-DNA position 515, C replaced by T.
Protein change: p.Ser172Phe; replaces serine 172 with phenylalanine.
Molecular consequence: missense variant. On other transcripts: intron variant (3).
Genome position (GRCh38, 1-based): chr8:11,708,827, C>T. VCF-style: chr8-11708827-C-T. GRCh37 (hg19) VCF-style: chr8-11566336-C-T.
Other names: c.515C>T, p.Ser172Phe (NM_002052.5); c.-6+8049C>T (NM_001308094.2); c.-3+813C>T (NM_001374274.1); c.-3+4523C>T (NM_001374273.1); short protein forms S172F.
Identifiers: ClinVar variation 4709983 (VCV004709983.1).